The following is an entry in ClinVar:

ClinVar aggregate classification (germline): Uncertain significance (1 of 4 stars; one submission).

Submission:

Ambry Genetics
Classification: Uncertain significance. Last evaluated: 2023-05-04. Review status: criteria provided, single submitter. Criteria: Ambry Variant Classification Scheme 2023. Collection method: clinical testing. Allele origin: germline.
Comment: The p.S962I variant (also known as c.2885G>T), located in coding exon 16 of the POLQ gene, results from a G to T substitution at nucleotide position 2885. The serine at codon 962 is replaced by isoleucine, an amino acid with dissimilar properties. This amino acid position is conserved. In addition, this alteration is predicted to be tolerated by in silico analysis. Since supporting evidence is limited at this time, the clinical significance of this alteration remains unclear.

NM_199420.4(POLQ):c.2885G>T (p.Ser962Ile)

Gene: POLQ (DNA polymerase theta; minus strand). Cytogenetic location: 3q13.33.
Variant type: single nucleotide variant.
Coding change: c.2885G>T on transcript NM_199420.4 (MANE Select); coding-DNA position 2885, G replaced by T.
Protein change: p.Ser962Ile; replaces serine 962 with isoleucine.
Molecular consequence: missense variant.
Genome position (GRCh38, 1-based): chr3:121,490,046, C>A on the plus strand (G>T on the coding strand, the complement: POLQ is on the minus strand). VCF-style: chr3-121490046-C-A. GRCh37 (hg19) VCF-style: chr3-121208893-C-A.
Other names: short protein forms S962I.
Identifiers: ClinVar variation 2563824 (VCV002563824.2), dbSNP rs772952342, ClinGen allele CA354104099.